The following is an entry in ClinVar:

ClinVar aggregate classification (germline): Conflicting classifications of pathogenicity. Review status: criteria provided, conflicting classifications (1 of 4 stars). 2 submissions from 2 submitters: Uncertain significance (1); Likely benign (1). Last evaluated 2026-01-25.

Allele frequency attached by ClinVar (database versions not stated): gnomAD exomes below 0.00001; gnomAD 0.00001; TOPMed 0.00002.

Submissions (2):

Labcorp Genetics (formerly Invitae), Labcorp
Classification: Uncertain significance. Last evaluated: 2026-01-25. Review status: criteria provided, single submitter. Criteria: Invitae Variant Classification Sherloc (09022015). Collection method: clinical testing. Allele origin: germline.
Comment: This sequence change falls in intron 11 of the CFB gene. It does not directly change the encoded amino acid sequence of the CFB protein. It affects a nucleotide within the consensus splice site. This variant is not present in population databases (gnomAD no frequency). This variant has not been reported in the literature in individuals affected with CFB-related conditions. ClinVar contains an entry for this variant (Variation ID: 1363665). Variants that disrupt the consensus splice site are a relatively common cause of aberrant splicing (PMID: 17576681, 9536098). Algorithms developed to predict the effect of sequence changes on RNA splicing suggest that this variant is not likely to affect RNA splicing. In summary, the available evidence is currently insufficient to determine the role of this variant in disease. Therefore, it has been classified as a Variant of Uncertain Significance.

Blueprint Genetics
Classification: Likely benign. Last evaluated: 2022-04-27. Review status: criteria provided, single submitter. Criteria: ACMG Guidelines, 2015. Collection method: clinical testing. Allele origin: germline.

Literature cited by the submitters: PubMed 17576681 (cited by Labcorp Genetics (formerly Invitae), Labcorp); PubMed 9536098 (cited by Labcorp Genetics (formerly Invitae), Labcorp).

NM_001710.6(CFB):c.1506+6C>T

Gene: CFB (complement factor B; plus strand). Cytogenetic location: 6p21.33.
Variant type: single nucleotide variant.
Coding change: c.1506+6C>T on transcript NM_001710.6 (MANE Select); 6 bases into the intron after coding-DNA position 1506, C replaced by T.
Molecular consequence: intron variant.
Genome position (GRCh38, 1-based): chr6:31,950,153, C>T. VCF-style: chr6-31950153-C-T. GRCh37 (hg19) VCF-style: chr6-31917930-C-T.
Identifiers: ClinVar variation 1363665 (VCV001363665.7), dbSNP rs1037433593, ClinGen allele CA136895638.